The following is an entry in ClinVar:

NM_019888.3(MC3R):c.529G>A (p.Val177Met)

Gene: MC3R (melanocortin 3 receptor; plus strand). Cytogenetic location: 20q13.2.
Variant type: single nucleotide variant.
Coding change: c.529G>A on transcript NM_019888.3 (MANE Select); coding-DNA position 529, G replaced by A.
Protein change: p.Val177Met; replaces valine 177 with methionine.
Molecular consequence: missense variant.
Genome position (GRCh38, 1-based): chr20:56,249,372, G>A. VCF-style: chr20-56249372-G-A. GRCh37 (hg19) VCF-style: chr20-54824428-G-A.
Other names: short protein forms V177M.
Identifiers: ClinVar variation 3344873 (VCV003344873.1).

ClinVar aggregate classification (germline): Uncertain significance (0 of 4 stars; one submission).

Conditions:
MC3R-related disorder. Also called: MC3R-related condition.

Submission:

PreventionGenetics, part of Exact Sciences
Classification: Uncertain significance for MC3R-related condition. Last evaluated: 2024-04-18. Review status: no assertion criteria provided. Collection method: clinical testing. Allele origin: germline.
Comment: The MC3R c.529G>A variant is predicted to result in the amino acid substitution p.Val177Met. To our knowledge, this variant has not been reported in the literature or in a large population database, indicating this variant is rare. At this time, the clinical significance of this variant is uncertain due to the absence of conclusive functional and genetic evidence.